The following is an entry in ClinVar:

ClinVar aggregate classification (germline): Likely pathogenic. Review status: criteria provided, multiple submitters, no conflicts (2 of 4 stars). 2 submissions from 2 submitters: Likely pathogenic (2). Last evaluated 2025-02-26.

Conditions:
Cardiovascular phenotype. Identifiers: MedGen CN230736.
Dilated cardiomyopathy 1G (CMD1G). Identifiers: Orphanet 154, MedGen C1858763, MONDO:0011400, OMIM 604145.
Autosomal recessive limb-girdle muscular dystrophy type 2J (LGMDR10). Also called: Limb-girdle muscular dystrophy, type 2J; MUSCULAR DYSTROPHY, LIMB-GIRDLE, AUTOSOMAL RECESSIVE 10. Identifiers: Orphanet 140922, MedGen C1837342, MONDO:0012127, OMIM 608807.

Submissions (2):

Labcorp Genetics (formerly Invitae), Labcorp
Classification: Likely pathogenic for Dilated cardiomyopathy 1G; Autosomal recessive limb-girdle muscular dystrophy type 2J. Last evaluated: 2025-02-26. Review status: criteria provided, single submitter. Criteria: Invitae Variant Classification Sherloc (09022015). Collection method: clinical testing. Allele origin: germline.
Comment: This sequence change creates a premature translational stop signal (p.Gly22634Asnfs*20) in the TTN gene. While this is not anticipated to result in nonsense mediated decay, it is expected to create a truncated TTN protein. This variant is not present in population databases (gnomAD no frequency). This variant has not been reported in the literature in individuals affected with TTN-related conditions. ClinVar contains an entry for this variant (Variation ID: 2951578). This variant is located in the A band of TTN (PMID: 25589632). Truncating variants in this region are significantly overrepresented in patients affected with dilated cardiomyopathy (PMID: 25589632). Truncating variants in this region have also been reported in individuals affected with autosomal recessive centronuclear myopathy (PMID: 23975875). In summary, the currently available evidence indicates that the variant is pathogenic, but additional data are needed to prove that conclusively. Therefore, this variant has been classified as Likely Pathogenic.

Ambry Genetics
Classification: Likely pathogenic for Cardiovascular phenotype. Last evaluated: 2024-10-15. Review status: criteria provided, single submitter. Criteria: Ambry Variant Classification Scheme 2023. Collection method: clinical testing. Allele origin: germline.
Comment: The c.40705_40706delGG variant, located in coding exon 147 of the TTN gene, results from a deletion of two nucleotides at nucleotide positions 40705 to 40706, causing a translational frameshift with a predicted alternate stop codon (p.G13569Nfs*20). This exon is located in the A-band region of the N2-B isoform of the titin protein and is constitutively expressed in TTN transcripts (percent spliced in or PSI 100%). This variant is considered to be rare based on population cohorts in the Genome Aggregation Database (gnomAD). This alteration is expected to result in loss of function by premature protein truncation or nonsense-mediated mRNA decay. While truncating variants in TTN are present in 1-3% of the general population, truncating variants in the A-band are the most common cause of dilated cardiomyopathy (DCM) (Herman DS et al. N. Engl. J. Med., 2012 Feb;366:619-28; Roberts AM et al. Sci Transl Med, 2015 Jan;7:270ra6). TTN truncating variants encoded in constitutive exons (PSI >90%) have been found to be significantly associated with DCM regardless of their position in titin (Schafer S et al. Nat. Genet., 2017 01;49:46-53). Based on the majority of available evidence to date, this variant is likely to be pathogenic.

Literature cited by the submitters: PubMed 25589632 (cited by Labcorp Genetics (formerly Invitae), Labcorp); PubMed 23975875 (cited by Labcorp Genetics (formerly Invitae), Labcorp).

NM_001267550.2(TTN):c.67900_67901del (p.Gly22634fs)

Genes: TTN (titin; minus strand), TTN-AS1 (TTN antisense RNA 1; plus strand), LOC126806423 (CDK7 strongly-dependent group 2 enhancer GRCh37_chr2:179443309-179444508; plus strand). Cytogenetic location: 2q31.2.
Variant type: Deletion.
Coding change: c.67900_67901del on transcript NM_001267550.2 (MANE Select); coding-DNA positions 67900 to 67901, 2 bases deleted (GG; older notation c.67900_67901delGG).
Protein change: p.Gly22634fs; shifts the reading frame from glycine 22634.
Molecular consequence: frameshift variant.
Genome position (GRCh38, 1-based): chr2:178,579,129-178,579,130, CC deleted on the plus strand (GG on the coding strand, the reverse complement: TTN is on the minus strand). VCF-style (leftmost placement, unchanged base first): chr2-178579128-TCC-T. GRCh37 (hg19) VCF-style: chr2-179443855-TCC-T.
Other names: c.40705_40706delGG (NM_003319.4); c.62977_62978del, p.Gly20993fs (NM_001256850.1); c.40705_40706del, p.Gly13569fs (NM_003319.4); c.60196_60197del, p.Gly20066fs (NM_133378.4); c.41080_41081del, p.Gly13694fs (NM_133432.3); c.41281_41282del, p.Gly13761fs (NM_133437.4); short protein forms G20993fs, G13694fs, G20066fs, G13569fs, G13761fs, G22634fs.
Identifiers: ClinVar variation 2951578 (VCV002951578.4), dbSNP rs2468869425, ClinGen allele CA2740096046.